The following is an entry in ClinVar:

NM_005732.4(RAD50):c.2332A>G (p.Ile778Val)

Gene: RAD50 (RAD50 double strand break repair protein; plus strand). Cytogenetic location: 5q31.1.
Variant type: single nucleotide variant.
Coding change: c.2332A>G on transcript NM_005732.4 (MANE Select); coding-DNA position 2332, A replaced by G.
Protein change: p.Ile778Val; replaces isoleucine 778 with valine.
Molecular consequence: missense variant.
Genome position (GRCh38, 1-based): chr5:132,603,424, A>G. VCF-style: chr5-132603424-A-G. GRCh37 (hg19) VCF-style: chr5-131939116-A-G.
Other names: short protein forms I778V.
Identifiers: ClinVar variation 484686 (VCV000484686.12), dbSNP rs1554099107, ClinGen allele CA360954700.

ClinVar aggregate classification (germline): Uncertain significance. Review status: criteria provided, multiple submitters, no conflicts (2 of 4 stars). 2 submissions from 2 submitters: Uncertain significance (2). Last evaluated 2024-08-06.

Conditions:
Hereditary cancer-predisposing syndrome. Also called: Neoplastic Syndromes, Hereditary; Tumor predisposition; Hereditary Cancer Syndrome; Hereditary neoplastic syndrome. Identifiers: Orphanet 140162, MedGen C0027672, MeSH D009386, MONDO:0015356.

Allele frequency attached by ClinVar (database versions not stated): gnomAD exomes 0.00001.
gnomAD v4.1: 6 of 1,614,020 alleles (0.00037%); highest among the groups gnomAD compares: Non-Finnish European, 0.00051%; no homozygotes.

Submissions (2):

Ambry Genetics
Classification: Uncertain significance for Hereditary cancer-predisposing syndrome. Last evaluated: 2024-08-06. Review status: criteria provided, single submitter. Criteria: Ambry Variant Classification Scheme 2023. Collection method: clinical testing. Allele origin: germline.

Labcorp Genetics (formerly Invitae), Labcorp
Classification: Uncertain significance for Hereditary cancer-predisposing syndrome. Last evaluated: 2021-11-29. Review status: criteria provided, single submitter. Criteria: Invitae Variant Classification Sherloc (09022015). Collection method: clinical testing. Allele origin: germline.
Comment: ClinVar contains an entry for this variant (Variation ID: 484686). In summary, the available evidence is currently insufficient to determine the role of this variant in disease. Therefore, it has been classified as a Variant of Uncertain Significance. Algorithms developed to predict the effect of missense changes on protein structure and function output the following: SIFT: "Tolerated"; PolyPhen-2: "Benign"; Align-GVGD: "Class C0". The valine amino acid residue is found in multiple mammalian species, which suggests that this missense change does not adversely affect protein function. This variant has not been reported in the literature in individuals affected with RAD50-related conditions. This variant is not present in population databases (gnomAD no frequency). This sequence change replaces isoleucine, which is neutral and non-polar, with valine, which is neutral and non-polar, at codon 778 of the RAD50 protein (p.Ile778Val).